The following is an entry in ClinVar:

ClinVar aggregate classification (germline): Pathogenic/Likely pathogenic. Review status: criteria provided, multiple submitters, no conflicts (2 of 4 stars). 2 submissions from 2 submitters: Pathogenic (1); Likely pathogenic (1). Last evaluated 2025-01-14.

Conditions:
Elliptocytosis 1 (EL1). Also called: 4.1- TRAIT; 4.1-MINUS TRAIT; ELLIPTOCYTOSIS, RHESUS-LINKED TYPE; PROTEIN 4.1 OF ERYTHROCYTE MEMBRANE, DEFECT OF. Identifiers: Orphanet 288, MedGen C2678497, MONDO:0012731, OMIM 611804.

gnomAD v4.1: 2 of 1,614,154 alleles (0.00012%); highest among the groups gnomAD compares: East Asian, 0.0045%; no homozygotes.

Submissions (2):

Labcorp Genetics (formerly Invitae), Labcorp
Classification: Pathogenic. Last evaluated: 2025-01-14. Review status: criteria provided, single submitter. Criteria: Invitae Variant Classification Sherloc (09022015). Collection method: clinical testing. Allele origin: germline.
Comment: This sequence change creates a premature translational stop signal (p.Tyr122*) in the EPB41 gene. It is expected to result in an absent or disrupted protein product. Loss-of-function variants in EPB41 are known to be pathogenic (PMID: 21839655, 27551681, 27667160, 33942936). This variant is present in population databases (rs749285989, gnomAD 0.01%). This variant has not been reported in the literature in individuals affected with EPB41-related conditions. For these reasons, this variant has been classified as Pathogenic.

Revvity Omics, Revvity
Classification: Likely pathogenic for Elliptocytosis 1. Last evaluated: 2024-12-13. Review status: criteria provided, single submitter. Criteria: ACMG Guidelines, 2015. Collection method: clinical testing. Allele origin: germline.

Literature cited by the submitters: PubMed 21839655 (cited by Labcorp Genetics (formerly Invitae), Labcorp); PubMed 27551681 (cited by Labcorp Genetics (formerly Invitae), Labcorp); PubMed 27667160 (cited by Labcorp Genetics (formerly Invitae), Labcorp); PubMed 33942936 (cited by Labcorp Genetics (formerly Invitae), Labcorp).

NM_001376013.1(EPB41):c.993C>A (p.Tyr331Ter)

Gene: EPB41 (erythrocyte membrane protein band 4.1; plus strand). Cytogenetic location: 1p35.3.
Variant type: single nucleotide variant.
Coding change: c.993C>A on transcript NM_001376013.1 (MANE Select); coding-DNA position 993, C replaced by A.
Protein change: p.Tyr331Ter; replaces tyrosine 331 with a stop codon.
Molecular consequence: nonsense.
Genome position (GRCh38, 1-based): chr1:29,018,311, C>A. VCF-style: chr1-29018311-C-A. GRCh37 (hg19) VCF-style: chr1-29344823-C-A.
Other names: c.993C>A, p.Tyr331Ter (NM_001376017.1, NM_001376018.1, NM_001376019.1 and 7 more transcripts); c.366C>A, p.Tyr122Ter (NM_001376022.1, NM_001376023.1, NM_001376024.1 and 7 more transcripts); c.888C>A, p.Tyr296Ter (NM_203343.3); short protein forms Y296*, Y331*, Y122*.
Identifiers: ClinVar variation 3729024 (VCV003729024.3).